The following is an entry in ClinVar:

NM_152906.7(TANGO2):c.625A>G (p.Ile209Val)

Gene: TANGO2 (transport and golgi organization 2 homolog; plus strand). Cytogenetic location: 22q11.21.
Variant type: single nucleotide variant.
Coding change: c.625A>G on transcript NM_152906.7 (MANE Select); coding-DNA position 625, A replaced by G.
Protein change: p.Ile209Val; replaces isoleucine 209 with valine.
Molecular consequence: missense variant. On other transcripts: synonymous variant (1), non-coding transcript variant (5), intron variant (1).
Genome position (GRCh38, 1-based): chr22:20,063,357, A>G. VCF-style: chr22-20063357-A-G. GRCh37 (hg19) VCF-style: chr22-20050880-A-G.
Other names: c.746A>G, p.His249Arg (NM_001322144.2); c.562A>G, p.Ile188Val (NM_001322145.2, NM_001322147.2); c.623A>G, p.His208Arg (NM_001283148.3, NM_001283154.3); c.400A>G, p.Ile134Val (NM_001283199.3); c.331A>G, p.Ile111Val (NM_001283235.3, NM_001322150.2, NM_001322153.2 and 6 more transcripts); c.625A>G, p.Ile209Val (NM_001283116.3, NM_001322142.2, NM_001283106.3); c.748A>G, p.Ile250Val (NM_001283129.3, NM_001322143.2, NM_001322141.2); c.439A>G, p.Ile147Val (NM_001283179.3, NM_001283186.3, NM_001322163.2 and 2 more transcripts); and 5 more; short protein forms I134V, I209V, I250V, H174R, H249R, I111V, I175V, H146R.
Identifiers: ClinVar variation 2117413 (VCV002117413.1), dbSNP rs2147840031, ClinGen allele CA410700247.
Genomic context (GRCh38, chr22:20,063,357, plus strand): 5'-CACAGAGGGACTAATGGCCACCACTTCTCTCCATCCTGCAGGCAGCTGCCAGACCCGGCC[A>G]TCGAGGACCAGGGTGGGGAGTACGTGCAGCCCATGCTGAGCAAGTACGCGGCTGTGTGCG-3'
Protein context (NP_690870.3, residues 199-219): NEEAQLPDPA[Ile209Val]EDQGGEYVQP

ClinVar aggregate classification (germline): Uncertain significance (1 of 4 stars; one submission).

Allele frequency attached by ClinVar (database versions not stated): gnomAD exomes below 0.00001.
gnomAD v4.1: 1 of 1,613,424 alleles (0.000062%); highest among the groups gnomAD compares: Non-Finnish European, 0.000085%; no homozygotes.

Submission:

Labcorp Genetics (formerly Invitae), Labcorp
Classification: Uncertain significance. Last evaluated: 2022-08-19. Review status: criteria provided, single submitter. Criteria: Invitae Variant Classification Sherloc (09022015). Collection method: clinical testing. Allele origin: germline.
Comment: This sequence change replaces isoleucine, which is neutral and non-polar, with valine, which is neutral and non-polar, at codon 209 of the TANGO2 protein (p.Ile209Val). This variant is not present in population databases (gnomAD no frequency). This variant has not been reported in the literature in individuals affected with TANGO2-related conditions. Algorithms developed to predict the effect of missense changes on protein structure and function are either unavailable or do not agree on the potential impact of this missense change (SIFT: "Not Available"; PolyPhen-2: "Benign"; Align-GVGD: "Not Available"). In summary, the available evidence is currently insufficient to determine the role of this variant in disease. Therefore, it has been classified as a Variant of Uncertain Significance.